The following is an entry in ClinVar:

ClinVar aggregate classification (germline): Conflicting classifications of pathogenicity. Review status: criteria provided, conflicting classifications (1 of 4 stars). 3 submissions from 3 submitters: Uncertain significance (1); Likely benign (1). 1 of the submissions does not count toward it. Last evaluated 2025-08-23.

Conditions:
Dubin-Johnson syndrome (DJS). Also called: HYPERBILIRUBINEMIA, DUBIN-JOHNSON TYPE; Jaundice, Chronic Idiopathic; Hyperbilirubinemia type 2. Identifiers: Orphanet 234, MedGen C0022350, MONDO:0009380, OMIM 237500.
ABCC2-related disorder. Also called: ABCC2-related condition.

Allele frequency attached by ClinVar (database versions not stated): ExAC 0.00024; 1000 Genomes Project 30x 0.00031; ESP Exome Variant Server 0.00038; 1000 Genomes Project 0.00040.
gnomAD v4.1: 200 of 1,613,050 alleles (0.012%); highest among the groups gnomAD compares: South Asian, 0.054%; no homozygotes.

Submissions (3):

Centre for Medical Genetics,  Mumbai
Classification: Likely benign for Dubin-Johnson syndrome. Last evaluated: 2025-08-23. Review status: criteria provided, single submitter. Criteria: ACMG Guidelines, 2015. Collection method: clinical testing. Allele origin: germline. Affected: no. Observed: 1 homozygote.

Labcorp Genetics (formerly Invitae), Labcorp
Classification: Uncertain significance. Last evaluated: 2022-08-21. Review status: criteria provided, single submitter. Criteria: Invitae Variant Classification Sherloc (09022015). Collection method: clinical testing. Allele origin: germline.
Comment: This sequence change replaces isoleucine, which is neutral and non-polar, with threonine, which is neutral and polar, at codon 1368 of the ABCC2 protein (p.Ile1368Thr). This variant is present in population databases (rs150575961, gnomAD 0.04%). This variant has not been reported in the literature in individuals affected with ABCC2-related conditions. Algorithms developed to predict the effect of missense changes on protein structure and function (SIFT, PolyPhen-2, Align-GVGD) all suggest that this variant is likely to be disruptive. In summary, the available evidence is currently insufficient to determine the role of this variant in disease. Therefore, it has been classified as a Variant of Uncertain Significance.

PreventionGenetics, part of Exact Sciences
Classification: Uncertain significance for ABCC2-related condition. Last evaluated: 2024-07-12. Review status: no assertion criteria provided. Collection method: clinical testing. Allele origin: germline. Not counted in ClinVar's aggregate classification.
Comment: The ABCC2 c.4103T>C variant is predicted to result in the amino acid substitution p.Ile1368Thr. To our knowledge, this variant has not been reported in the literature. This variant is reported in 0.043% of alleles in individuals of South Asian descent in gnomAD. At this time, the clinical significance of this variant is uncertain due to the absence of conclusive functional and genetic evidence.

NM_000392.5(ABCC2):c.4103T>C (p.Ile1368Thr)

Gene: ABCC2 (ATP binding cassette subfamily C member 2; plus strand). Cytogenetic location: 10q24.2.
Variant type: single nucleotide variant.
Coding change: c.4103T>C on transcript NM_000392.5 (MANE Select); coding-DNA position 4103, T replaced by C.
Protein change: p.Ile1368Thr; replaces isoleucine 1368 with threonine.
Molecular consequence: missense variant.
Genome position (GRCh38, 1-based): chr10:99,845,739, T>C. VCF-style: chr10-99845739-T-C. GRCh37 (hg19) VCF-style: chr10-101605496-T-C.
Other names: c.4103T>C (NM_000392.4); short protein forms I1368T.
Identifiers: ClinVar variation 2197512 (VCV002197512.3), dbSNP rs150575961, ClinGen allele CA5644032.